The following is an entry in ClinVar:

NM_001009944.3(PKD1):c.5373C>T (p.Asn1791=)

Gene: PKD1 (polycystin 1, transient receptor potential channel interacting; minus strand). Cytogenetic location: 16p13.3.
Variant type: single nucleotide variant.
Coding change: c.5373C>T on transcript NM_001009944.3 (MANE Select); coding-DNA position 5373, C replaced by T.
Protein change: p.Asn1791=; no amino-acid change (asparagine 1791 retained).
Molecular consequence: synonymous variant.
Genome position (GRCh38, 1-based): chr16:2,109,794, G>A on the plus strand (C>T on the coding strand, the complement: PKD1 is on the minus strand). VCF-style: chr16-2109794-G-A. GRCh37 (hg19) VCF-style: chr16-2159795-G-A.
Other names: c.5373C>T, p.Asn1791= (NM_000296.4).
Identifiers: ClinVar variation 256977 (VCV000256977.16), dbSNP rs143017410, ClinGen allele CA7832009.

ClinVar aggregate classification (germline): Benign/Likely benign. Review status: criteria provided, multiple submitters, no conflicts (2 of 4 stars). 7 submissions from 7 submitters: Benign (4); Likely benign (2). 1 of the submissions does not count toward it. Last evaluated 2025-04-25.

Conditions:
Polycystic kidney disease, adult type (PKD1). Also called: Polycystic Kidney, Autosomal Dominant; Polycystic Kidney Disease 1, Autosomal Dominant; Polycystic kidney disease 1; Polycystic kidney disease 1, severe; POLYCYSTIC KIDNEY DISEASE 1 WITH OR WITHOUT POLYCYSTIC LIVER DISEASE; POLYCYSTIC KIDNEY DISEASE, ADULT, TYPE I. Identifiers: MedGen C3149841, MONDO:0008263, OMIM 173900.
Polycystic kidney disease. Also called: Polycystic kidney dysplasia; Kidney, Polycystic. Identifiers: MedGen C0022680, MeSH D007690, MONDO:0020642, HP:0000113.

Allele frequency attached by ClinVar (database versions not stated): gnomAD exomes 0.00035 and 0.00071; ExAC 0.00075; ESP Exome Variant Server 0.00179; 1000 Genomes Project 0.00319; gnomAD 0.00329 and 0.00357; 1000 Genomes Project 30x 0.00375; TOPMed 0.00392.

Submissions (7):

Women's Health and Genetics/Laboratory Corporation of America, LabCorp
Classification: Likely benign. Last evaluated: 2025-04-25. Review status: criteria provided, single submitter. Criteria: LabCorp Variant Classification Summary - May 2015. Collection method: clinical testing. Allele origin: germline.

Blueprint Genetics
Classification: Likely benign. Last evaluated: 2024-11-21. Review status: criteria provided, single submitter. Criteria: ACMG Guidelines, 2015. Collection method: clinical testing. Allele origin: germline.

GeneDx
Classification: Benign. Last evaluated: 2020-06-29. Review status: criteria provided, single submitter. Criteria: GeneDx Variant Classification Process June 2021. Collection method: clinical testing. Allele origin: germline. Affected: yes.
Comment: This variant is associated with the following publications: (PMID: 22383692)

Athena Diagnostics
Classification: Benign. Last evaluated: 2019-05-10. Review status: criteria provided, single submitter. Criteria: Athena Diagnostics Criteria. Collection method: clinical testing. Allele origin: germline.

ARUP Laboratories, Molecular Genetics and Genomics, ARUP Laboratories
Classification: Benign for Polycystic kidney disease, adult type. Last evaluated: 2018-10-01. Review status: criteria provided, single submitter. Criteria: ARUP Molecular Germline Variant Investigation Process. Collection method: clinical testing. Allele origin: germline.

PreventionGenetics, part of Exact Sciences
Classification: Benign. Review status: criteria provided, single submitter. Criteria: ACMG Guidelines, 2015. Collection method: clinical testing. Allele origin: germline.

Department of Pathology and Laboratory Medicine, Sinai Health System
Classification: Likely benign for Polycystic Kidney disease. Review status: no assertion criteria provided. Collection method: clinical testing. Allele origin: unknown. Affected: yes. Observed: 1 variant allele. Study: The Canadian Open Genetics Repository (COGR). Not counted in ClinVar's aggregate classification.
Comment: The PKD1 p.Asn1791= variant was identified in 2 of 550 proband chromosomes (frequency: 0.003636) from individuals or families with autosomal dominant polycystic kidney disease (ADPKD) (Rossetti 2002, Rossetti 2012). The variant was also identified in dbSNP (ID: rs143017410) â€šÃ„ÃºWith Benign allele,â€šÃ„Ã¹ ClinVar (as benign by Prevention Genetics), and ADPKD Mutation Database (2x as likely neutral). The variant was not identified in GeneInsight-COGR, LOVD 3.0, and PKD1-LOVD databases. The variant was identified in control databases in 265 of 269328 chromosomes at a frequency of 0.001 increasing the likelihood that this may be a low frequency benign variant in certain populations of origin (Genome Aggregation Consortium Feb 27, 2017), being identified in the following populations: African in 234 of 22952 chromosomes (frequency: 0.0102), Ashkenazi Jewish in 6 of 9984 chromosomes (frequency: 0.00006), Latino in 20 of 34170 chromosomes (frequency: 0.00006), Other in 2 of 6290 chromosomes (frequency: 0.00003), and European Non-Finnish in 3 of 122142 chromosomes (frequency: 0.00002). In addition we cannot be certain that data from control databases is specific to PKD1 and not from one of the six PKD1 pseudogenes. The p.Asn1791= variant is not expected to have clinical significance because it does not result in a change of amino acid and is not located in a known consensus splice site. In addition, in silico or computational prediction software programs (SpliceSiteFinder, MaxEntScan, NNSPLICE, GeneSplicer, HumanSpliceFinder) do not predict a difference in splicing. In summary, based on the above information the clinical significance of this variant cannot be determined with certainty at this time although we would lean towards a more benign role for this variant. This variant is classified as likely benign.

Literature cited by the submitters: PubMed 22383692 (cited by Athena Diagnostics).